The following is an entry in ClinVar:

NM_153252.5(BRWD3):c.2387C>T (p.Thr796Ile)

Gene: BRWD3 (bromodomain and WD repeat domain containing 3; minus strand). Cytogenetic location: Xq21.1.
Variant type: single nucleotide variant.
Coding change: c.2387C>T on transcript NM_153252.5 (MANE Select); coding-DNA position 2387, C replaced by T.
Protein change: p.Thr796Ile; replaces threonine 796 with isoleucine.
Molecular consequence: missense variant. On other transcripts: intron variant (1).
Genome position (GRCh38, 1-based): chrX:80,709,516, G>A on the plus strand (C>T on the coding strand, the complement: BRWD3 is on the minus strand). VCF-style: chrX-80709516-G-A. GRCh37 (hg19) VCF-style: chrX-79965015-G-A.
Other names: c.2326-2013C>T (NM_001441339.1); short protein forms T796I.
Identifiers: ClinVar variation 4086654 (VCV004086654.2).
Genomic context (GRCh38, chrX:80,709,516, plus strand): 5'-ACACCTGAATTTTGACATGATGCCTGTGAATTATGCTCTATGTTGGACCGTGTTTGGTAA[G>A]TATGCTGACGTTTGCGCTGTGTCCTGCGTAAAGAACGCCCACAGCTAGGCTCATAATCAT-3'
Protein context (NP_694984.5, residues 786-806): LRRTQRKRQH[Thr796Ile]YQTRSNIEHN

ClinVar aggregate classification (germline): Uncertain significance (1 of 4 stars; one submission).

gnomAD v4.1: 12 of 1,210,043 alleles (0.00099%); highest among the groups gnomAD compares: Non-Finnish European, 0.0012%; no homozygotes.

Submission:

GeneDx
Classification: Uncertain significance. Last evaluated: 2026-07-28. Review status: criteria provided, single submitter. Criteria: GeneDx Variant Classification Process June 2021. Collection method: clinical testing. Allele origin: germline.
Comment: Not observed at significant frequency in large population cohorts (gnomAD); In silico analysis suggests that this missense variant does not alter protein structure/function; Has not been previously published as pathogenic or benign to our knowledge